The following is an entry in ClinVar:

ClinVar aggregate classification (germline): Uncertain significance (1 of 4 stars; one submission).

Conditions:
PCNT-related disorder. Also called: PCNT-related condition.

Submission:

PreventionGenetics, part of Exact Sciences
Classification: Uncertain significance for PCNT-related condition. Last evaluated: 2025-07-20. Review status: criteria provided, single submitter. Criteria: ACMG Guidelines, 2015. Collection method: clinical testing. Allele origin: germline.
Comment: The PCNT c.9790_9791insGGG variant is predicted to result in an in-frame amino acid insertion (p.Pro3263_Ala3264insGly). To our knowledge, this variant has not been reported in the literature or in a large population database (gnomAD), indicating this variant is rare. At this time, the clinical significance of this variant is uncertain due to the absence of conclusive functional and genetic evidence.

NM_006031.6(PCNT):c.9790_9791insGGG (p.Pro3263_Ala3264insGly)

Gene: PCNT (pericentrin; plus strand). Cytogenetic location: 21q22.3.
Variant type: Insertion.
Coding change: c.9790_9791insGGG on transcript NM_006031.6 (MANE Select); coding-DNA positions 9790 to 9791, GGG inserted.
Protein change: p.Pro3263_Ala3264insGly.
Molecular consequence: inframe insertion.
Genome position: GRCh38 VCF-style: chr21-46443898-T-TGGG. GRCh37 (hg19) VCF-style: chr21-47863811-T-TGGG.
Other names: c.9199_9200insGGG, p.Pro3066_Ala3067insGly (NM_001315529.2).
Identifiers: ClinVar variation 4999710 (VCV004999710.1).